The following is an entry in ClinVar:

ClinVar aggregate classification (germline): Uncertain significance. Review status: criteria provided, multiple submitters, no conflicts (2 of 4 stars). 5 submissions from 5 submitters: Uncertain significance (4). 1 of the submissions does not count toward it. Last evaluated 2026-01-12.

Conditions:
Bardet-Biedl syndrome 2 (BBS2). Identifiers: Orphanet 110, MedGen C2936863, MONDO:0014432, OMIM 615981.
Retinitis pigmentosa 74 (RP74). Identifiers: Orphanet 791, MedGen C4225281, MONDO:0014692, OMIM 616562.
Inborn genetic diseases. Identifiers: MedGen C0950123, MeSH D030342.
BBS2-related disorder. Also called: BBS2-related condition; BBS2-related disorders. Identifiers: MedGen CN239228.
Bardet-Biedl syndrome (BBS). Identifiers: Orphanet 110, MedGen C0752166, MONDO:0015229.

Allele frequency attached by ClinVar (database versions not stated): TOPMed 0.00002; gnomAD 0.00004 and 0.00005.
gnomAD v4.1: 11 of 1,610,066 alleles (0.00068%); highest among the groups gnomAD compares: African/African-American, 0.015%; no homozygotes.

Submissions (5):

PreventionGenetics, part of Exact Sciences
Classification: Uncertain significance for BBS2-related condition. Last evaluated: 2026-01-12. Review status: criteria provided, single submitter. Criteria: ACMG Guidelines, 2015. Collection method: clinical testing. Allele origin: germline.
Comment: The BBS2 c.1909A>T variant is predicted to result in the amino acid substitution p.Met637Leu. To our knowledge, this variant has not been reported in the literature. This variant is reported in 0.012% of alleles in individuals of African descent in gnomAD. At this time, the clinical significance of this variant is uncertain due to the absence of conclusive functional and genetic evidence.

Ambry Genetics
Classification: Uncertain significance for Inborn genetic diseases. Last evaluated: 2025-01-30. Review status: criteria provided, single submitter. Criteria: Ambry Variant Classification Scheme 2023. Collection method: clinical testing. Allele origin: germline.

Fulgent Genetics
Classification: Uncertain significance for Bardet-Biedl syndrome 2; Retinitis pigmentosa 74. Last evaluated: 2022-01-03. Review status: criteria provided, single submitter. Criteria: ACMG Guidelines, 2015. Collection method: clinical testing. Allele origin: unknown.

Labcorp Genetics (formerly Invitae), Labcorp
Classification: Uncertain significance for Bardet-Biedl syndrome. Last evaluated: 2021-09-01. Review status: criteria provided, single submitter. Criteria: Invitae Variant Classification Sherloc (09022015). Collection method: clinical testing. Allele origin: germline.
Comment: This sequence change replaces methionine with leucine at codon 637 of the BBS2 protein (p.Met637Leu). The methionine residue is highly conserved and there is a small physicochemical difference between methionine and leucine. This variant is not present in population databases (ExAC no frequency). This variant has not been reported in the literature in individuals affected with BBS2-related conditions. Algorithms developed to predict the effect of missense changes on protein structure and function (SIFT, PolyPhen-2, Align-GVGD) all suggest that this variant is likely to be tolerated. In summary, the available evidence is currently insufficient to determine the role of this variant in disease. Therefore, it has been classified as a Variant of Uncertain Significance.

Natera, Inc.
Classification: Uncertain significance for Bardet-Biedl syndrome type 2. Last evaluated: 2020-06-04. Review status: no assertion criteria provided. Collection method: clinical testing. Allele origin: germline. Not counted in ClinVar's aggregate classification.

NM_031885.5(BBS2):c.1909A>T (p.Met637Leu)

Gene: BBS2 (Bardet-Biedl syndrome 2; minus strand). Cytogenetic location: 16q13.
Variant type: single nucleotide variant.
Coding change: c.1909A>T on transcript NM_031885.5 (MANE Select); coding-DNA position 1909, A replaced by T.
Protein change: p.Met637Leu; replaces methionine 637 with leucine.
Molecular consequence: missense variant. On other transcripts: non-coding transcript variant (5).
Genome position (GRCh38, 1-based): chr16:56,496,968, T>A on the plus strand (A>T on the coding strand, the complement: BBS2 is on the minus strand). VCF-style: chr16-56496968-T-A. GRCh37 (hg19) VCF-style: chr16-56530880-T-A.
Other names: c.1909A>T (NM_031885.3); c.1909A>T, p.Met637Leu (NM_001377456.1); short protein forms M637L.
Identifiers: ClinVar variation 1019357 (VCV001019357.10), dbSNP rs967941621, ClinGen allele CA395975451.
Genomic context (GRCh38, chr16:56,496,968, plus strand): 5'-TATTCCATACTGCTCACATTTTTAACCCTGCACCTGTACTAACCATGACAAATACTCACA[T>A]GTCCCTCATCAGACGAGCATCCTCAGCTCCGACCAGCAAACTTCGGATCAAATTAGAATG-3'
Protein context (NP_114091.4, residues 627-647): GAEDARLMRD[Met637Leu]KTMKSRYMEL